The following is an entry in ClinVar:

ClinVar aggregate classification (germline): Uncertain significance (1 of 4 stars; one submission).

Allele frequency attached by ClinVar (database versions not stated): gnomAD exomes below 0.00001.
gnomAD v4.1: 2 of 1,536,716 alleles (0.00013%); highest among the groups gnomAD compares: Non-Finnish European, 0.00018%; no homozygotes.

Submission:

Labcorp Genetics (formerly Invitae), Labcorp
Classification: Uncertain significance. Last evaluated: 2024-09-06. Review status: criteria provided, single submitter. Criteria: Invitae Variant Classification Sherloc (09022015). Collection method: clinical testing. Allele origin: germline.
Comment: This sequence change replaces serine, which is neutral and polar, with glycine, which is neutral and non-polar, at codon 217 of the MKL1 protein (p.Ser217Gly). This variant is not present in population databases (gnomAD no frequency). This variant has not been reported in the literature in individuals affected with MKL1-related conditions. ClinVar contains an entry for this variant (Variation ID: 2200380). An algorithm developed to predict the effect of missense changes on protein structure and function outputs the following: PolyPhen-2: "Benign". The glycine amino acid residue is found in multiple mammalian species, which suggests that this missense change does not adversely affect protein function. In summary, the available evidence is currently insufficient to determine the role of this variant in disease. Therefore, it has been classified as a Variant of Uncertain Significance.

NM_020831.6(MRTFA):c.949A>G (p.Ser317Gly)

Gene: MRTFA (myocardin related transcription factor A; minus strand). Cytogenetic location: 22q13.1.
Variant type: single nucleotide variant.
Coding change: c.949A>G on transcript NM_020831.6 (MANE Select); coding-DNA position 949, A replaced by G.
Protein change: p.Ser317Gly; replaces serine 317 with glycine.
Molecular consequence: missense variant.
Genome position (GRCh38, 1-based): chr22:40,421,079, T>C on the plus strand (A>G on the coding strand, the complement: MRTFA is on the minus strand). VCF-style: chr22-40421079-T-C. GRCh37 (hg19) VCF-style: chr22-40817083-T-C.
Other names: c.649A>G, p.Ser217Gly (NM_001282660.2); c.799A>G, p.Ser267Gly (NM_001282661.3); c.949A>G, p.Ser317Gly (NM_001282662.3); c.754A>G, p.Ser252Gly (NM_001318139.2); short protein forms S217G, S252G, S317G, S267G.
Identifiers: ClinVar variation 2200380 (VCV002200380.4), dbSNP rs2517826140, ClinGen allele CA411664793.